The following is an entry in ClinVar:

ClinVar aggregate classification (germline): Likely benign. Review status: criteria provided, multiple submitters, no conflicts (2 of 4 stars). 3 submissions from 3 submitters: Likely benign (3). Last evaluated 2025-04-23.

Conditions:
Hereditary cancer-predisposing syndrome. Also called: Hereditary Cancer Syndrome; Hereditary neoplastic syndrome; Neoplastic Syndromes, Hereditary; Tumor predisposition. Identifiers: Orphanet 140162, MedGen C0027672, MeSH D009386, MONDO:0015356.
Fanconi anemia (FA). Also called: Fanconi's anemia. Identifiers: Orphanet 84, MedGen C0015625, MeSH D005199, MONDO:0019391.

Submissions (3):

Labcorp Genetics (formerly Invitae), Labcorp
Classification: Likely benign for Fanconi anemia. Last evaluated: 2025-04-23. Review status: criteria provided, single submitter. Criteria: Invitae Variant Classification Sherloc (09022015). Collection method: clinical testing. Allele origin: germline.

Ambry Genetics
Classification: Likely benign for Hereditary cancer-predisposing syndrome. Last evaluated: 2023-11-03. Review status: criteria provided, single submitter. Criteria: Ambry Variant Classification Scheme 2023. Collection method: clinical testing. Allele origin: germline.

GeneDx
Classification: Likely benign. Last evaluated: 2016-10-31. Review status: criteria provided, single submitter. Criteria: GeneDx Variant Classification (06012015). Collection method: clinical testing. Allele origin: germline. Affected: yes.
Comment: This variant is considered likely benign or benign based on one or more of the following criteria: it is a conservative change, it occurs at a poorly conserved position in the protein, it is predicted to be benign by multiple in silico algorithms, and/or has population frequency not consistent with disease.

NM_000136.3(FANCC):c.270A>C (p.Leu90=)

Gene: FANCC (FA complementation group C; minus strand). Cytogenetic location: 9q22.32.
Variant type: single nucleotide variant.
Coding change: c.270A>C on transcript NM_000136.3 (MANE Select); coding-DNA position 270, A replaced by C.
Protein change: p.Leu90=; no amino-acid change (leucine 90 retained).
Molecular consequence: synonymous variant.
Genome position (GRCh38, 1-based): chr9:95,240,724, T>G on the plus strand (A>C on the coding strand, the complement: FANCC is on the minus strand). VCF-style: chr9-95240724-T-G. GRCh37 (hg19) VCF-style: chr9-98003006-T-G.
Other names: c.270A>C, p.Leu90= (NM_001243743.2, NM_001243744.2).
Identifiers: ClinVar variation 390616 (VCV000390616.3), dbSNP rs1057523841, ClinGen allele CA16606601.